The following is an entry in ClinVar:

ClinVar aggregate classification (germline): Benign/Likely benign. Review status: criteria provided, multiple submitters, no conflicts (2 of 4 stars). 11 submissions from 11 submitters: Benign (4); Likely benign (4). 3 of the submissions do not count toward it. Last evaluated 2026-09-01.

Conditions:
SERPINI1-related disorder. Also called: SERPINI1-related condition.
Familial encephalopathy with neuroserpin inclusion bodies. Also called: ENCEPHALOPATHY, FAMILIAL, WITH COLLINS BODIES. Identifiers: Orphanet 85110, MedGen C1858680, MONDO:0011412, OMIM 604218.

Allele frequency attached by ClinVar (database versions not stated): 1000 Genomes Project 30x 0.00219; 1000 Genomes Project 0.00220; gnomAD 0.00340 and 0.00357; TOPMed 0.00414; ESP Exome Variant Server 0.00454; ExAC 0.00465; gnomAD exomes 0.00475.

Submissions (11):

CeGaT Center for Human Genetics Tuebingen
Classification: Likely benign. Last evaluated: 2026-09-01. Review status: criteria provided, single submitter. Criteria: CeGaT Center For Human Genetics Tuebingen Variant Classification Criteria Version 2. Collection method: clinical testing. Allele origin: germline. Affected: yes. Observed: 2 variant alleles.
Comment: SERPINI1: BP4, BS2

Labcorp Genetics (formerly Invitae), Labcorp
Classification: Benign for Familial encephalopathy with neuroserpin inclusion bodies. Last evaluated: 2026-02-03. Review status: criteria provided, single submitter. Criteria: Invitae Variant Classification Sherloc (09022015). Collection method: clinical testing. Allele origin: germline.

Athena Diagnostics
Classification: Benign. Last evaluated: 2025-04-24. Review status: criteria provided, single submitter. Criteria: Athena Diagnostics Criteria. Collection method: clinical testing. Allele origin: unknown.
Comment: The frequency of this variant in the general population is higher than would generally be expected for pathogenic variants in this gene.

ARUP Laboratories, Molecular Genetics and Genomics, ARUP Laboratories
Classification: Benign for Familial encephalopathy with neuroserpin inclusion bodies. Last evaluated: 2025-03-05. Review status: criteria provided, single submitter. Criteria: ARUP Molecular Germline Variant Investigation Process 2024. Collection method: clinical testing. Allele origin: germline.

Blueprint Genetics
Classification: Likely benign. Last evaluated: 2024-11-26. Review status: criteria provided, single submitter. Criteria: ACMG Guidelines, 2015. Collection method: clinical testing. Allele origin: germline.

Illumina Laboratory Services, Illumina
Classification: Benign for Familial encephalopathy with neuroserpin inclusion bodies. Last evaluated: 2018-01-12. Review status: criteria provided, single submitter. Criteria: ICSL Variant Classification Criteria 13 December 2019. Collection method: clinical testing. Allele origin: germline.
Comment: This variant was observed in the ICSL laboratory as part of a predisposition screen in an ostensibly healthy population. It had not been previously curated by ICSL or reported in the Human Gene Mutation Database (HGMD: prior to June 1st, 2018), and was therefore a candidate for classification through an automated scoring system. Utilizing variant allele frequency, disease prevalence and penetrance estimates, and inheritance mode, an automated score was calculated to assess if this variant is too frequent to cause the disease. Based on the score and internal cut-off values, a variant classified as benign is not then subjected to further curation. The score for this variant resulted in a classification of benign for this disease.

Center for Pediatric Genomic Medicine, Children's Mercy Hospital and Clinics
Classification: Likely benign. Last evaluated: 2016-09-14. Review status: criteria provided, single submitter. Criteria: ACMG Guidelines, 2015. Collection method: clinical testing. Allele origin: germline.
ClinVar note: Converted during submission from Likely Benign to Likely benign.

Breakthrough Genomics
Classification: Likely benign. Review status: criteria provided, single submitter. Criteria: ACMG Guidelines, 2015. Collection method: not provided. Allele origin: germline. Inheritance: Autosomal dominant inheritance. Affected: yes.

PreventionGenetics, part of Exact Sciences
Classification: Benign for SERPINI1-related condition. Last evaluated: 2019-06-10. Review status: no assertion criteria provided. Collection method: clinical testing. Allele origin: germline. Not counted in ClinVar's aggregate classification.
Comment: This variant is classified as benign based on ACMG/AMP sequence variant interpretation guidelines (Richards et al. 2015 PMID: 25741868, with internal and published modifications).

Clinical Genetics DNA and cytogenetics Diagnostics Lab, Erasmus MC, Erasmus Medical Center
Classification: Likely benign. Review status: no assertion criteria provided. Collection method: clinical testing. Allele origin: germline. Affected: yes. Study: VKGL Data-share Consensus. Not counted in ClinVar's aggregate classification.

Genome Diagnostics Laboratory, Amsterdam University Medical Center
Classification: Likely benign. Review status: no assertion criteria provided. Collection method: clinical testing. Allele origin: germline. Affected: yes. Study: VKGL Data-share Consensus. Not counted in ClinVar's aggregate classification.

NM_001122752.2(SERPINI1):c.289G>A (p.Val97Ile)

Gene: SERPINI1 (serpin family I member 1; plus strand). Cytogenetic location: 3q26.1.
Variant type: single nucleotide variant.
Coding change: c.289G>A on transcript NM_001122752.2 (MANE Select); coding-DNA position 289, G replaced by A.
Protein change: p.Val97Ile; replaces valine 97 with isoleucine.
Molecular consequence: missense variant.
Genome position (GRCh38, 1-based): chr3:167,790,410, G>A. VCF-style: chr3-167790410-G-A. GRCh37 (hg19) VCF-style: chr3-167508198-G-A.
Other names: c.289G>A, p.Val97Ile (NM_005025.5); short protein forms V97I.
Identifiers: ClinVar variation 344125 (VCV000344125.28), dbSNP rs61750375, ClinGen allele CA2694773.